The following is an entry in ClinVar:

ClinVar aggregate classification (germline): Uncertain significance. Review status: criteria provided, multiple submitters, no conflicts (2 of 4 stars). 3 submissions from 3 submitters: Uncertain significance (3). Last evaluated 2025-06-23.

Conditions:
Malignant hyperthermia, susceptibility to, 5 (MHS5). Also called: CACNA1S-Related Malignant Hyperthermia Susceptibility. Identifiers: Orphanet 423, MedGen C1866077, MONDO:0011163, OMIM 601887.
Hypokalemic periodic paralysis, type 1. Also called: HypoPP; Hypokalemic Periodic Paralysis Type 1 (AD). Identifiers: Orphanet 681, MedGen C3714580, MONDO:0042979, OMIM 170400.

gnomAD v4.1: 9 of 1,613,380 alleles (0.00056%); highest among the groups gnomAD compares: Non-Finnish European, 0.00059%; no homozygotes.

Submissions (3):

Color Diagnostics, LLC DBA Color Health
Classification: Uncertain significance for Malignant hyperthermia, susceptibility to, 5. Last evaluated: 2025-06-23. Review status: criteria provided, single submitter. Criteria: ACMG Guidelines, 2015. Collection method: clinical testing. Allele origin: germline.
Comment: This missense variant replaces leucine with methionine at codon 1163 of the CACNA1S protein. Computational prediction suggests that this variant may not impact protein structure and function. To our knowledge, functional studies have not been reported for this variant. This variant has not been reported in individuals affected with CACNA1S-related disorders in the literature. This variant has been identified in 1/251434 chromosomes in the general population by the Genome Aggregation Database (gnomAD). The available evidence is insufficient to determine the role of this variant in disease conclusively. Therefore, this variant is classified as a Variant of Uncertain Significance.

All of Us Research Program, National Institutes of Health
Classification: Uncertain significance for Malignant hyperthermia, susceptibility to, 5. Last evaluated: 2024-01-11. Review status: criteria provided, single submitter. Criteria: ACMG Guidelines, 2015. Collection method: clinical testing. Allele origin: germline. Inheritance: Autosomal dominant inheritance. Observed: 2 variant alleles, 2 heterozygotes.
Comment: This missense variant replaces leucine with methionine at codon 1163 of the CACNA1S protein. Computational prediction suggests that this variant may not impact protein structure and function (internally defined REVEL score threshold <= 0.5, PMID: 27666373). To our knowledge, functional studies have not been reported for this variant. This variant has not been reported in individuals affected with CACNA1S-related disorders in the literature. This variant has been identified in 1/251434 chromosomes in the general population by the Genome Aggregation Database (gnomAD). The available evidence is insufficient to determine the role of this variant in disease conclusively. Therefore, this variant is classified as a Variant of Uncertain Significance.

This study involves interpretation of variants in research participants for the purpose of population health screening. Participant phenotype was not available at the time of variant classification. Additional details can be found in publication PMID: 35346344, PMCID: PMC8962531

Labcorp Genetics (formerly Invitae), Labcorp
Classification: Uncertain significance for Hypokalemic periodic paralysis, type 1; Malignant hyperthermia, susceptibility to, 5. Last evaluated: 2022-06-24. Review status: criteria provided, single submitter. Criteria: Invitae Variant Classification Sherloc (09022015). Collection method: clinical testing. Allele origin: germline.
Comment: This sequence change replaces leucine, which is neutral and non-polar, with methionine, which is neutral and non-polar, at codon 1163 of the CACNA1S protein (p.Leu1163Met). In summary, the available evidence is currently insufficient to determine the role of this variant in disease. Therefore, it has been classified as a Variant of Uncertain Significance. Advanced modeling of protein sequence and biophysical properties (such as structural, functional, and spatial information, amino acid conservation, physicochemical variation, residue mobility, and thermodynamic stability) performed at Invitae indicates that this missense variant is not expected to disrupt CACNA1S protein function. This variant has not been reported in the literature in individuals affected with CACNA1S-related conditions. This variant is not present in population databases (gnomAD no frequency).

NM_000069.3(CACNA1S):c.3487C>A (p.Leu1163Met)

Gene: CACNA1S (calcium voltage-gated channel subunit alpha1 S; minus strand). Cytogenetic location: 1q32.1.
Variant type: single nucleotide variant.
Coding change: c.3487C>A on transcript NM_000069.3 (MANE Select); coding-DNA position 3487, C replaced by A.
Protein change: p.Leu1163Met; replaces leucine 1163 with methionine.
Molecular consequence: missense variant.
Genome position (GRCh38, 1-based): chr1:201,059,227, G>T on the plus strand (C>A on the coding strand, the complement: CACNA1S is on the minus strand). VCF-style: chr1-201059227-G-T. GRCh37 (hg19) VCF-style: chr1-201028355-G-T.
Other names: short protein forms L1163M.
Identifiers: ClinVar variation 2194283 (VCV002194283.6), dbSNP rs1173273375, ClinGen allele CA344158363.